The following is an entry in ClinVar:

ClinVar aggregate classification (germline): Likely benign. Review status: criteria provided, multiple submitters, no conflicts (2 of 4 stars). 3 submissions from 3 submitters: Likely benign (2). 1 of the submissions does not count toward it. Last evaluated 2025-10-13.

Conditions:
ZAP70-related disorder. Also called: ZAP70-related condition.
Combined immunodeficiency due to ZAP70 deficiency (IMD48). Also called: ZAP70 Deficiency; Immunodeficiency 48. Identifiers: Orphanet 911, MedGen C2931299, MONDO:0010023, OMIM 269840.

Allele frequency attached by ClinVar (database versions not stated): gnomAD 0.00003; TOPMed 0.00008; 1000 Genomes Project 30x 0.00016.
gnomAD v4.1: 27 of 1,614,132 alleles (0.0017%); highest among the groups gnomAD compares: African/African-American, 0.011%; no homozygotes.

Submissions (3):

Labcorp Genetics (formerly Invitae), Labcorp
Classification: Likely benign for Combined immunodeficiency due to ZAP70 deficiency. Last evaluated: 2025-10-13. Review status: criteria provided, single submitter. Criteria: Invitae Variant Classification Sherloc (09022015). Collection method: clinical testing. Allele origin: germline.

Blueprint Genetics
Classification: Likely benign. Last evaluated: 2024-11-04. Review status: criteria provided, single submitter. Criteria: ACMG Guidelines, 2015. Collection method: clinical testing. Allele origin: germline.

PreventionGenetics, part of Exact Sciences
Classification: Likely benign for ZAP70-related condition. Last evaluated: 2019-06-12. Review status: no assertion criteria provided. Collection method: clinical testing. Allele origin: germline. Not counted in ClinVar's aggregate classification.
Comment: This variant is classified as likely benign based on ACMG/AMP sequence variant interpretation guidelines (Richards et al. 2015 PMID: 25741868, with internal and published modifications).

NM_001079.4(ZAP70):c.1140G>A (p.Thr380=)

Gene: ZAP70 (zeta chain of T cell receptor associated protein kinase 70; plus strand). Cytogenetic location: 2q11.2.
Variant type: single nucleotide variant.
Coding change: c.1140G>A on transcript NM_001079.4 (MANE Select); coding-DNA position 1140, G replaced by A.
Protein change: p.Thr380=; no amino-acid change (threonine 380 retained).
Molecular consequence: synonymous variant.
Genome position (GRCh38, 1-based): chr2:97,735,307, G>A. VCF-style: chr2-97735307-G-A. GRCh37 (hg19) VCF-style: chr2-98351770-G-A.
Other names: c.1140G>A, p.Thr380= (NM_001378594.1); c.219G>A, p.Thr73= (NM_207519.2).
Identifiers: ClinVar variation 740109 (VCV000740109.13), dbSNP rs202016798, ClinGen allele CA1790385.